The following is an entry in ClinVar:

NM_003923.3(FOXH1):c.225G>C (p.Glu75Asp)

Gene: FOXH1 (forkhead box H1; minus strand). Cytogenetic location: 8q24.3.
Variant type: single nucleotide variant.
Coding change: c.225G>C on transcript NM_003923.3 (MANE Select); coding-DNA position 225, G replaced by C.
Protein change: p.Glu75Asp; replaces glutamic acid 75 with aspartic acid.
Molecular consequence: missense variant.
Genome position (GRCh38, 1-based): chr8:144,475,211, C>G on the plus strand (G>C on the coding strand, the complement: FOXH1 is on the minus strand). VCF-style: chr8-144475211-C-G. GRCh37 (hg19) VCF-style: chr8-145700594-C-G.
Other names: short protein forms E75D.
Identifiers: ClinVar variation 3702409 (VCV003702409.2).

ClinVar aggregate classification (germline): Uncertain significance (1 of 4 stars; one submission).

Conditions:
Holoprosencephaly sequence (HPE). Also called: Holoprosencephaly. Identifiers: Orphanet 2162, MedGen C0079541, MONDO:0016296, HP:0001360.

gnomAD v4.1: 1 of 1,613,638 alleles (0.000062%); highest among the groups gnomAD compares: Non-Finnish European, 0.000085%; no homozygotes.

Submission:

Labcorp Genetics (formerly Invitae), Labcorp
Classification: Uncertain significance for Holoprosencephaly sequence. Last evaluated: 2024-04-04. Review status: criteria provided, single submitter. Criteria: Invitae Variant Classification Sherloc (09022015). Collection method: clinical testing. Allele origin: germline.
Comment: This sequence change replaces glutamic acid, which is acidic and polar, with aspartic acid, which is acidic and polar, at codon 75 of the FOXH1 protein (p.Glu75Asp). This variant is not present in population databases (gnomAD no frequency). This variant has not been reported in the literature in individuals affected with FOXH1-related conditions. Advanced modeling of protein sequence and biophysical properties (such as structural, functional, and spatial information, amino acid conservation, physicochemical variation, residue mobility, and thermodynamic stability) performed at Invitae indicates that this missense variant is not expected to disrupt FOXH1 protein function with a negative predictive value of 80%. In summary, the available evidence is currently insufficient to determine the role of this variant in disease. Therefore, it has been classified as a Variant of Uncertain Significance.